The following is an entry in ClinVar:

NM_016642.4(SPTBN5):c.3803G>A (p.Arg1268Gln)

Gene: SPTBN5 (spectrin beta, non-erythrocytic 5; minus strand). Cytogenetic location: 15q15.1.
Variant type: single nucleotide variant.
Coding change: c.3803G>A on transcript NM_016642.4 (MANE Select); coding-DNA position 3803, G replaced by A.
Protein change: p.Arg1268Gln; replaces arginine 1268 with glutamine.
Molecular consequence: missense variant.
Genome position (GRCh38, 1-based): chr15:41,876,857, C>T on the plus strand (G>A on the coding strand, the complement: SPTBN5 is on the minus strand). VCF-style: chr15-41876857-C-T. GRCh37 (hg19) VCF-style: chr15-42169055-C-T.
Other names: short protein forms R1268Q.
Identifiers: ClinVar variation 2645226 (VCV002645226.24), dbSNP rs200671932, ClinGen allele CA7503508.

ClinVar aggregate classification (germline): Benign (1 of 4 stars; one submission).

Allele frequency attached by ClinVar (database versions not stated): ESP Exome Variant Server 0.00024; TOPMed 0.00029; gnomAD 0.00037; ExAC 0.00056; 1000 Genomes Project 0.00080; 1000 Genomes Project 30x 0.00125.

Submission:

CeGaT Center for Human Genetics Tuebingen
Classification: Benign. Last evaluated: 2023-10-01. Review status: criteria provided, single submitter. Criteria: CeGaT Center For Human Genetics Tuebingen Variant Classification Criteria Version 2. Collection method: clinical testing. Allele origin: germline. Affected: yes. Observed: 3 variant alleles.
Comment: SPTBN5: BP4, BS1, BS2